The following is an entry in ClinVar:

NM_002691.4(POLD1):c.445T>C (p.Tyr149His)

Gene: POLD1 (DNA polymerase delta 1, catalytic subunit; plus strand). Cytogenetic location: 19q13.33.
Variant type: single nucleotide variant.
Coding change: c.445T>C on transcript NM_002691.4 (MANE Select); coding-DNA position 445, T replaced by C.
Protein change: p.Tyr149His; replaces tyrosine 149 with histidine.
Molecular consequence: missense variant. On other transcripts: non-coding transcript variant (1).
Genome position (GRCh38, 1-based): chr19:50,401,906, T>C. VCF-style: chr19-50401906-T-C. GRCh37 (hg19) VCF-style: chr19-50905163-T-C.
Other names: c.445T>C, p.Tyr149His (NM_001256849.1, NM_001308632.1); short protein forms Y149H.
Identifiers: ClinVar variation 3781369 (VCV003781369.1).

ClinVar aggregate classification (germline): Uncertain significance (1 of 4 stars; one submission).

Conditions:
Hereditary cancer-predisposing syndrome. Also called: Neoplastic Syndromes, Hereditary; Hereditary Cancer Syndrome; Tumor predisposition; Hereditary neoplastic syndrome. Identifiers: Orphanet 140162, MedGen C0027672, MeSH D009386, MONDO:0015356.

Submission:

Ambry Genetics
Classification: Uncertain significance for Hereditary cancer-predisposing syndrome. Last evaluated: 2024-12-21. Review status: criteria provided, single submitter. Criteria: Ambry Variant Classification Scheme 2023. Collection method: clinical testing. Allele origin: germline.
Comment: The p.Y149H variant (also known as c.445T>C), located in coding exon 3 of the POLD1 gene, results from a T to C substitution at nucleotide position 445. The tyrosine at codon 149 is replaced by histidine, an amino acid with similar properties. This amino acid position is conserved. In addition, the in silico prediction for this alteration is inconclusive. Based on the available evidence, the clinical significance of this variant remains unclear.